The following is an entry in ClinVar:

ClinVar aggregate classification (germline): Uncertain significance (1 of 4 stars; one submission).

Submission:

GeneDx
Classification: Uncertain significance. Last evaluated: 2026-03-25. Review status: criteria provided, single submitter. Criteria: GeneDx Variant Classification Process June 2021. Collection method: clinical testing. Allele origin: germline.
Comment: Not observed at significant frequency in large population cohorts (gnomAD); In silico analysis suggests that this missense variant does not alter protein structure/function; Has not been previously published as pathogenic or benign to our knowledge

NM_001813.3(CENPE):c.5662A>G (p.Met1888Val)

Gene: CENPE (centromere protein E; minus strand). Cytogenetic location: 4q24.
Variant type: single nucleotide variant.
Coding change: c.5662A>G on transcript NM_001813.3 (MANE Select); coding-DNA position 5662, A replaced by G.
Protein change: p.Met1888Val; replaces methionine 1888 with valine.
Molecular consequence: missense variant.
Genome position (GRCh38, 1-based): chr4:103,140,906, T>C on the plus strand (A>G on the coding strand, the complement: CENPE is on the minus strand). VCF-style: chr4-103140906-T-C. GRCh37 (hg19) VCF-style: chr4-104062063-T-C.
Other names: c.5587A>G, p.Met1863Val (NM_001286734.2); short protein forms M1863V, M1888V.
Identifiers: ClinVar variation 5017462 (VCV005017462.1).